The following is an entry in ClinVar:

NM_001572.5(IRF7):c.859G>A (p.Gly287Arg)

Gene: IRF7 (interferon regulatory factor 7; minus strand). Cytogenetic location: 11p15.5.
Variant type: single nucleotide variant.
Coding change: c.859G>A on transcript NM_001572.5 (MANE Select); coding-DNA position 859, G replaced by A.
Protein change: p.Gly287Arg; replaces glycine 287 with arginine.
Molecular consequence: missense variant.
Genome position (GRCh38, 1-based): chr11:613,584, C>T on the plus strand (G>A on the coding strand, the complement: IRF7 is on the minus strand). VCF-style: chr11-613584-C-T. GRCh37 (hg19) VCF-style: chr11-613584-C-T.
Other names: c.772G>A, p.Gly258Arg (NM_004029.4); c.898G>A, p.Gly300Arg (NM_004031.4); short protein forms G300R, G287R, G258R.
Identifiers: ClinVar variation 2868893 (VCV002868893.3), dbSNP rs764449303, ClinGen allele CA378979708.

ClinVar aggregate classification (germline): Uncertain significance (1 of 4 stars; one submission).

Conditions:
Immunodeficiency 39 (IMD39). Identifiers: Orphanet 574918, MedGen C4225358, MONDO:0014597, OMIM 616345.

Submission:

Labcorp Genetics (formerly Invitae), Labcorp
Classification: Uncertain significance for Immunodeficiency 39. Last evaluated: 2024-10-28. Review status: criteria provided, single submitter. Criteria: Invitae Variant Classification Sherloc (09022015). Collection method: clinical testing. Allele origin: germline.
Comment: This sequence change replaces glycine, which is neutral and non-polar, with arginine, which is basic and polar, at codon 300 of the IRF7 protein (p.Gly300Arg). This variant is not present in population databases (gnomAD no frequency). This variant has not been reported in the literature in individuals affected with IRF7-related conditions. Invitae Evidence Modeling of protein sequence and biophysical properties (such as structural, functional, and spatial information, amino acid conservation, physicochemical variation, residue mobility, and thermodynamic stability) indicates that this missense variant is not expected to disrupt IRF7 protein function with a negative predictive value of 80%. In summary, the available evidence is currently insufficient to determine the role of this variant in disease. Therefore, it has been classified as a Variant of Uncertain Significance.